The following is an entry in ClinVar:

ClinVar aggregate classification (germline): Uncertain significance (1 of 4 stars; one submission).

Conditions:
Hereditary cancer-predisposing syndrome. Also called: Neoplastic Syndromes, Hereditary; Tumor predisposition; Hereditary neoplastic syndrome; Hereditary Cancer Syndrome. Identifiers: Orphanet 140162, MedGen C0027672, MeSH D009386, MONDO:0015356.

Submission:

Ambry Genetics
Classification: Uncertain significance for Hereditary cancer-predisposing syndrome. Last evaluated: 2024-04-10. Review status: criteria provided, single submitter. Criteria: Ambry Variant Classification Scheme 2023. Collection method: clinical testing. Allele origin: germline.
Comment: The p.R33G variant (also known as c.97C>G), located in coding exon 1 of the PTCH1 gene, results from a C to G substitution at nucleotide position 97. The arginine at codon 33 is replaced by glycine, an amino acid with dissimilar properties. This amino acid position is conserved. In addition, the in silico prediction for this alteration is inconclusive. Based on the available evidence, the clinical significance of this variant remains unclear.

NM_000264.5(PTCH1):c.97C>G (p.Arg33Gly)

Genes: PTCH1 (patched 1; minus strand), LOC130002133 (ATAC-STARR-seq lymphoblastoid silent region 20071; plus strand). Cytogenetic location: 9q22.32.
Variant type: single nucleotide variant.
Coding change: c.97C>G on transcript NM_000264.5 (MANE Select); coding-DNA position 97, C replaced by G.
Protein change: p.Arg33Gly; replaces arginine 33 with glycine.
Molecular consequence: missense variant. On other transcripts: non-coding transcript variant (1), intron variant (3).
Genome position (GRCh38, 1-based): chr9:95,508,265, G>C on the plus strand (C>G on the coding strand, the complement: PTCH1 is on the minus strand). VCF-style: chr9-95508265-G-C. GRCh37 (hg19) VCF-style: chr9-98270547-G-C.
Other names: c.97C>G, p.Arg33Gly (NM_001354918.2); c.199-1666C>G (NM_001083603.3); c.4-1666C>G (NM_001083602.3, NM_001354919.2); short protein forms R33G.
Identifiers: ClinVar variation 3311156 (VCV003311156.1).